The following is an entry in ClinVar:

NM_004523.4(KIF11):c.1331A>T (p.Lys444Ile)

Gene: KIF11 (kinesin family member 11; plus strand). Cytogenetic location: 10q23.33.
Variant type: single nucleotide variant.
Coding change: c.1331A>T on transcript NM_004523.4 (MANE Select); coding-DNA position 1331, A replaced by T.
Protein change: p.Lys444Ile; replaces lysine 444 with isoleucine.
Molecular consequence: missense variant.
Genome position (GRCh38, 1-based): chr10:92,630,201, A>T. VCF-style: chr10-92630201-A-T. GRCh37 (hg19) VCF-style: chr10-94389958-A-T.
Other names: short protein forms K444I.
Identifiers: ClinVar variation 3686873 (VCV003686873.2).

ClinVar aggregate classification (germline): Uncertain significance (1 of 4 stars; one submission).

gnomAD v4.1: 5 of 1,578,802 alleles (0.00032%); highest among the groups gnomAD compares: East Asian, 0.011%; no homozygotes.

Submission:

Labcorp Genetics (formerly Invitae), Labcorp
Classification: Uncertain significance. Last evaluated: 2024-05-29. Review status: criteria provided, single submitter. Criteria: Invitae Variant Classification Sherloc (09022015). Collection method: clinical testing. Allele origin: germline.
Comment: This sequence change replaces lysine, which is basic and polar, with isoleucine, which is neutral and non-polar, at codon 444 of the KIF11 protein (p.Lys444Ile). This variant is present in population databases (rs759757759, gnomAD 0.01%). This missense change has been observed in individual(s) with familial exudative vitreoretinopathy (PMID: 36411543). In at least one individual the variant was observed to be de novo. Advanced modeling of protein sequence and biophysical properties (such as structural, functional, and spatial information, amino acid conservation, physicochemical variation, residue mobility, and thermodynamic stability) performed at Invitae indicates that this missense variant is not expected to disrupt KIF11 protein function with a negative predictive value of 80%. In summary, the available evidence is currently insufficient to determine the role of this variant in disease. Therefore, it has been classified as a Variant of Uncertain Significance.

Literature cited by the submitters: PubMed 36411543.